The following is an entry in ClinVar:

NM_004171.4(SLC1A2):c.1480T>C (p.Tyr494His)

Gene: SLC1A2 (solute carrier family 1 member 2; minus strand). Cytogenetic location: 11p13.
Variant type: single nucleotide variant.
Coding change: c.1480T>C on transcript NM_004171.4 (MANE Select); coding-DNA position 1480, T replaced by C.
Protein change: p.Tyr494His; replaces tyrosine 494 with histidine.
Molecular consequence: missense variant.
Genome position (GRCh38, 1-based): chr11:35,265,700, A>G on the plus strand (T>C on the coding strand, the complement: SLC1A2 is on the minus strand). VCF-style: chr11-35265700-A-G. GRCh37 (hg19) VCF-style: chr11-35287247-A-G.
Other names: c.1453T>C, p.Tyr485His (NM_001195728.3, NM_001252652.2); short protein forms Y485H, Y494H.
Identifiers: ClinVar variation 2324581 (VCV002324581.3), dbSNP rs374270312, ClinGen allele CA220481006.

ClinVar aggregate classification (germline): Uncertain significance. Review status: criteria provided, multiple submitters, no conflicts (2 of 4 stars). 2 submissions from 2 submitters: Uncertain significance (2). Last evaluated 2025-12-16.

Conditions:
Inborn genetic diseases. Identifiers: MedGen C0950123, MeSH D030342.

Allele frequency attached by ClinVar (database versions not stated): TOPMed 0.00001; gnomAD 0.00001; ESP Exome Variant Server 0.00008.
gnomAD v4.1: 2 of 1,613,974 alleles (0.00012%); highest among the groups gnomAD compares: African/African-American, 0.0027%; no homozygotes.

Submissions (2):

Labcorp Genetics (formerly Invitae), Labcorp
Classification: Uncertain significance. Last evaluated: 2025-12-16. Review status: criteria provided, single submitter. Criteria: Invitae Variant Classification Sherloc (09022015). Collection method: clinical testing. Allele origin: germline.
Comment: This sequence change replaces tyrosine, which is neutral and polar, with histidine, which is basic and polar, at codon 494 of the SLC1A2 protein (p.Tyr494His). This variant is not present in population databases (gnomAD no frequency). This variant has not been reported in the literature in individuals affected with SLC1A2-related conditions. ClinVar contains an entry for this variant (Variation ID: 2324581). Invitae Evidence Modeling of protein sequence and biophysical properties (such as structural, functional, and spatial information, amino acid conservation, physicochemical variation, residue mobility, and thermodynamic stability) indicates that this missense variant is not expected to disrupt SLC1A2 protein function with a negative predictive value of 80%. In summary, the available evidence is currently insufficient to determine the role of this variant in disease. Therefore, it has been classified as a Variant of Uncertain Significance.

Ambry Genetics
Classification: Uncertain significance for Inborn genetic diseases. Last evaluated: 2022-11-08. Review status: criteria provided, single submitter. Criteria: Ambry Variant Classification Scheme 2023. Collection method: clinical testing. Allele origin: germline.